The following is an entry in ClinVar:

ClinVar aggregate classification (germline): Uncertain significance. Review status: criteria provided, multiple submitters, no conflicts (2 of 4 stars). 2 submissions from 2 submitters: Uncertain significance (2). Last evaluated 2025-03-30.

Allele frequency attached by ClinVar (database versions not stated): gnomAD 0.00001 and 0.00003; TOPMed 0.00003; ESP Exome Variant Server 0.00008; gnomAD exomes 0.00013; ExAC 0.00016; 1000 Genomes Project 30x 0.00031.
gnomAD v4.1: 58 of 1,584,672 alleles (0.0037%); highest among the groups gnomAD compares: Admixed American, 0.045%; no homozygotes.

Submissions (2):

Labcorp Genetics (formerly Invitae), Labcorp
Classification: Uncertain significance. Last evaluated: 2025-03-30. Review status: criteria provided, single submitter. Criteria: Invitae Variant Classification Sherloc (09022015). Collection method: clinical testing. Allele origin: germline.
Comment: This sequence change replaces threonine, which is neutral and polar, with methionine, which is neutral and non-polar, at codon 513 of the PLEKHM2 protein (p.Thr513Met). This variant is present in population databases (rs373517149, gnomAD 0.07%), and has an allele count higher than expected for a pathogenic variant. This variant has not been reported in the literature in individuals affected with PLEKHM2-related conditions. ClinVar contains an entry for this variant (Variation ID: 857623). An algorithm developed to predict the effect of missense changes on protein structure and function (PolyPhen-2) suggests that this variant is likely to be disruptive. In summary, the available evidence is currently insufficient to determine the role of this variant in disease. Therefore, it has been classified as a Variant of Uncertain Significance.

Ambry Genetics
Classification: Uncertain significance. Last evaluated: 2025-02-08. Review status: criteria provided, single submitter. Criteria: Ambry Variant Classification Scheme 2023. Collection method: clinical testing. Allele origin: germline.

NM_015164.4(PLEKHM2):c.1538C>T (p.Thr513Met)

Gene: PLEKHM2 (pleckstrin homology and RUN domain containing M2; plus strand). Cytogenetic location: 1p36.21.
Variant type: single nucleotide variant.
Coding change: c.1538C>T on transcript NM_015164.4 (MANE Select); coding-DNA position 1538, C replaced by T.
Protein change: p.Thr513Met; replaces threonine 513 with methionine.
Molecular consequence: missense variant.
Genome position (GRCh38, 1-based): chr1:15,727,610, C>T. VCF-style: chr1-15727610-C-T. GRCh37 (hg19) VCF-style: chr1-16054105-C-T.
Other names: short protein forms T513M.
Identifiers: ClinVar variation 857623 (VCV000857623.9), dbSNP rs373517149, ClinGen allele CA616952.